The following is an entry in ClinVar:

NM_001201543.2(FAM161A):c.1534A>C (p.Asn512His)

Gene: FAM161A (FAM161 centrosomal protein A; minus strand). Cytogenetic location: 2p15.
Variant type: single nucleotide variant.
Coding change: c.1534A>C on transcript NM_001201543.2 (MANE Select); coding-DNA position 1534, A replaced by C.
Protein change: p.Asn512His; replaces asparagine 512 with histidine.
Molecular consequence: missense variant. On other transcripts: non-coding transcript variant (1).
Genome position (GRCh38, 1-based): chr2:61,839,470, T>G on the plus strand (A>C on the coding strand, the complement: FAM161A is on the minus strand). VCF-style: chr2-61839470-T-G. GRCh37 (hg19) VCF-style: chr2-62066605-T-G.
Other names: c.1534A>C (NM_001201543.1); c.1534A>C, p.Asn512His (NM_032180.3); short protein forms N512H.
Identifiers: ClinVar variation 2074399 (VCV002074399.5), dbSNP rs756552796, ClinGen allele CA1679133.

ClinVar aggregate classification (germline): Uncertain significance. Review status: criteria provided, multiple submitters, no conflicts (2 of 4 stars). 4 submissions from 4 submitters: Uncertain significance (3). 1 of the submissions does not count toward it. Last evaluated 2026-01-05.

Conditions:
FAM161A-related disorder. Also called: FAM161A-related condition.
Inborn genetic diseases. Identifiers: MedGen C0950123, MeSH D030342.

Allele frequency attached by ClinVar (database versions not stated): TOPMed 0.00003; gnomAD exomes 0.00005; ExAC 0.00011.
gnomAD v4.1: 29 of 1,614,184 alleles (0.0018%); highest among the groups gnomAD compares: Admixed American, 0.047%; no homozygotes.

Submissions (4):

Labcorp Genetics (formerly Invitae), Labcorp
Classification: Uncertain significance. Last evaluated: 2026-01-05. Review status: criteria provided, single submitter. Criteria: Invitae Variant Classification Sherloc (09022015). Collection method: clinical testing. Allele origin: germline.
Comment: This sequence change replaces asparagine, which is neutral and polar, with histidine, which is basic and polar, at codon 512 of the FAM161A protein (p.Asn512His). This variant is present in population databases (rs756552796, gnomAD 0.07%). This missense change has been observed in individual(s) with retinitis pigmentosa (internal data). ClinVar contains an entry for this variant (Variation ID: 2074399). Invitae Evidence Modeling of protein sequence and biophysical properties (such as structural, functional, and spatial information, amino acid conservation, physicochemical variation, residue mobility, and thermodynamic stability) indicates that this missense variant is not expected to disrupt FAM161A protein function with a negative predictive value of 80%. In summary, the available evidence is currently insufficient to determine the role of this variant in disease. Therefore, it has been classified as a Variant of Uncertain Significance.

Blueprint Genetics
Classification: Uncertain significance. Last evaluated: 2023-06-29. Review status: criteria provided, single submitter. Criteria: ACMG Guidelines, 2015. Collection method: clinical testing. Allele origin: germline.

Ambry Genetics
Classification: Uncertain significance for Inborn genetic diseases. Last evaluated: 2021-06-18. Review status: criteria provided, single submitter. Criteria: Ambry General Variant Classification Scheme_2022. Collection method: clinical testing. Allele origin: germline. Observed: 1 variant allele.

PreventionGenetics, part of Exact Sciences
Classification: Uncertain significance for FAM161A-related condition. Last evaluated: 2024-09-25. Review status: no assertion criteria provided. Collection method: clinical testing. Allele origin: germline. Not counted in ClinVar's aggregate classification.
Comment: The FAM161A c.1534A>C variant is predicted to result in the amino acid substitution p.Asn512His. To our knowledge, this variant has not been reported in the literature. This variant is reported in 0.078% of alleles in individuals of Latino descent in gnomAD. At this time, the clinical significance of this variant is uncertain due to the absence of conclusive functional and genetic evidence.